The following is an entry in ClinVar:

NM_001953.5(TYMP):c.683C>G (p.Ser228Cys)

Gene: TYMP (thymidine phosphorylase; minus strand). Cytogenetic location: 22q13.33.
Variant type: single nucleotide variant.
Coding change: c.683C>G on transcript NM_001953.5 (MANE Select); coding-DNA position 683, C replaced by G.
Protein change: p.Ser228Cys; replaces serine 228 with cysteine.
Molecular consequence: missense variant.
Genome position (GRCh38, 1-based): chr22:50,527,247, G>C on the plus strand (C>G on the coding strand, the complement: TYMP is on the minus strand). VCF-style: chr22-50527247-G-C. GRCh37 (hg19) VCF-style: chr22-50965676-G-C.
Other names: c.683C>G, p.Ser228Cys (LRG_727t2, LRG_727t1, NM_001113755.3 and 3 more transcripts); short protein forms S228C.
Identifiers: ClinVar variation 215336 (VCV000215336.6), dbSNP rs763471000, ClinGen allele CA319894.

ClinVar aggregate classification (germline): Uncertain significance. Review status: criteria provided, multiple submitters, no conflicts (2 of 4 stars). 3 submissions from 3 submitters: Uncertain significance (2). 1 of the submissions does not count toward it. Last evaluated 2026-01-28.

Conditions:
Mitochondrial neurogastrointestinal encephalomyopathy. Also called: MNGIE syndrome; Thymidine phosphorylase deficiency; Mitochondrial neurogastrointestinal encephalopathy syndrome. Identifiers: Orphanet 298, MedGen C0872218, MONDO:0017575.

Allele frequency attached by ClinVar (database versions not stated): ExAC 0.00001; gnomAD exomes 0.00002 and 0.00005; gnomAD 0.00003; TOPMed 0.00004.
gnomAD v4.1: 18 of 1,613,640 alleles (0.0011%); highest among the groups gnomAD compares: Admixed American, 0.028%; no homozygotes.

Submissions (3):

GeneDx
Classification: Uncertain significance. Last evaluated: 2026-01-28. Review status: criteria provided, single submitter. Criteria: GeneDx Variant Classification Process June 2021. Collection method: clinical testing. Allele origin: germline. Affected: yes.
Comment: In silico analysis supports that this missense variant has a deleterious effect on protein structure/function; Has not been previously published as pathogenic or benign to our knowledge

Labcorp Genetics (formerly Invitae), Labcorp
Classification: Uncertain significance. Last evaluated: 2022-07-01. Review status: criteria provided, single submitter. Criteria: Invitae Variant Classification Sherloc (09022015). Collection method: clinical testing. Allele origin: germline.
Comment: This sequence change replaces serine, which is neutral and polar, with cysteine, which is neutral and slightly polar, at codon 228 of the TYMP protein (p.Ser228Cys). This variant is present in population databases (rs763471000, gnomAD 0.04%). This variant has not been reported in the literature in individuals affected with TYMP-related conditions. ClinVar contains an entry for this variant (Variation ID: 215336). Advanced modeling of protein sequence and biophysical properties (such as structural, functional, and spatial information, amino acid conservation, physicochemical variation, residue mobility, and thermodynamic stability) performed at Invitae indicates that this missense variant is not expected to disrupt TYMP protein function. In summary, the available evidence is currently insufficient to determine the role of this variant in disease. Therefore, it has been classified as a Variant of Uncertain Significance.

Natera, Inc.
Classification: Uncertain significance for Mitochondrial neurogastrointestinal encephalomyopathy. Last evaluated: 2019-11-11. Review status: no assertion criteria provided. Collection method: clinical testing. Allele origin: germline. Not counted in ClinVar's aggregate classification.